The following is an entry in ClinVar:

ClinVar aggregate classification (germline): Uncertain significance. Review status: criteria provided, multiple submitters, no conflicts (2 of 4 stars). 2 submissions from 2 submitters: Uncertain significance (2). Last evaluated 2024-09-19.

Conditions:
Polycystic kidney disease 2 (PKD2). Also called: Polycystic Kidney Disease 2, Autosomal Dominant; POLYCYSTIC KIDNEY DISEASE, ADULT, TYPE II; POLYCYSTIC KIDNEY DISEASE 2 WITH OR WITHOUT POLYCYSTIC LIVER DISEASE. Identifiers: MedGen C2751306, MONDO:0013131, OMIM 613095.
Autosomal dominant polycystic kidney disease. Identifiers: Orphanet 730, MedGen C0085413, MONDO:0004691.

Allele frequency attached by ClinVar (database versions not stated): gnomAD exomes below 0.00001; TOPMed below 0.00001.

Submissions (2):

Labcorp Genetics (formerly Invitae), Labcorp
Classification: Uncertain significance for Autosomal dominant polycystic kidney disease. Last evaluated: 2024-09-19. Review status: criteria provided, single submitter. Criteria: Invitae Variant Classification Sherloc (09022015). Collection method: clinical testing. Allele origin: germline.
Comment: This sequence change replaces leucine, which is neutral and non-polar, with phenylalanine, which is neutral and non-polar, at codon 79 of the PKD2 protein (p.Leu79Phe). This variant is not present in population databases (gnomAD no frequency). This variant has not been reported in the literature in individuals affected with PKD2-related conditions. ClinVar contains an entry for this variant (Variation ID: 1479551). An algorithm developed to predict the effect of missense changes on protein structure and function (PolyPhen-2) suggests that this variant is likely to be tolerated. In summary, the available evidence is currently insufficient to determine the role of this variant in disease. Therefore, it has been classified as a Variant of Uncertain Significance.

Fulgent Genetics
Classification: Uncertain significance for Polycystic kidney disease 2. Last evaluated: 2022-05-25. Review status: criteria provided, single submitter. Criteria: ACMG Guidelines, 2015. Collection method: clinical testing. Allele origin: unknown.

NM_000297.4(PKD2):c.235C>T (p.Leu79Phe)

Genes: PKD2 (polycystin 2, transient receptor potential cation channel; plus strand), LOC129992813 (ATAC-STARR-seq lymphoblastoid silent region 15559; plus strand). Cytogenetic location: 4q22.1.
Variant type: single nucleotide variant.
Coding change: c.235C>T on transcript NM_000297.4 (MANE Select); coding-DNA position 235, C replaced by T.
Protein change: p.Leu79Phe; replaces leucine 79 with phenylalanine.
Molecular consequence: missense variant. On other transcripts: non-coding transcript variant (1).
Genome position (GRCh38, 1-based): chr4:88,007,968, C>T. VCF-style: chr4-88007968-C-T. GRCh37 (hg19) VCF-style: chr4-88929120-C-T.
Other names: short protein forms L79F.
Identifiers: ClinVar variation 1479551 (VCV001479551.7), dbSNP rs1726235229, ClinGen allele CA357625813.
Genomic context (GRCh38, chr4:88,007,968, plus strand): 5'-ATCCGGCAGGCGGCCGCGCGGGACCCCCCGGCCGGAGCCGCGGCCTCCCCTTCTCCTCCG[C>T]TCTCGTCGTGCTCCCGGCAGGCGTGGAGCCGCGATAACCCCGGCTTCGAGGCCGAGGAGG-3'
Protein context (NP_000288.1, residues 69-89): AGAAASPSPP[Leu79Phe]SSCSRQAWSR